The following is an entry in ClinVar:

NM_000181.4(GUSB):c.1476_1476+13del

Gene: GUSB (glucuronidase beta; minus strand). Cytogenetic location: 7q11.21.
Variant type: Deletion.
Coding change: c.1476_1476+13del on transcript NM_000181.4 (MANE Select); coding-DNA position 1476 through 13 bases into the intron after coding-DNA position 1476, 14 bases deleted (GGTGAGCCTGGGGG).
Molecular consequence: splice donor variant.
Genome position (GRCh38, 1-based): chr7:65,970,269-65,970,282, CCCCCAGGCTCACC deleted on the plus strand (GGTGAGCCTGGGGG on the coding strand, the reverse complement: GUSB is on the minus strand); deleting any 14 consecutive bases within chr7:65,970,269-65,970,285 gives the same sequence; the c. name uses the placement nearest the transcript's 3' end. VCF-style (leftmost placement, unchanged base first): chr7-65970268-ACCCCCAGGCTCACC-A. GRCh37 (hg19) VCF-style: chr7-65435255-ACCCCCAGGCTCACC-A.
Other names: c.819_819+13del (NM_001293105.2); c.906_906+13del (NM_001293104.2); c.1038_1038+13del (NM_001284290.2).
Identifiers: ClinVar variation 2440645 (VCV002440645.7), dbSNP rs1271928727, ClinGen allele CA574855985.

ClinVar aggregate classification (germline): Pathogenic/Likely pathogenic. Review status: criteria provided, multiple submitters, no conflicts (2 of 4 stars). 3 submissions from 3 submitters: Pathogenic (1); Likely pathogenic (2). Last evaluated 2026-01-07.

Conditions:
Mucopolysaccharidosis type 7 (MPS7). Also called: BETA-GLUCURONIDASE DEFICIENCY; GUSB DEFICIENCY; MPS VII; SLY SYNDROME. Identifiers: Orphanet 584, MedGen C0085132, MONDO:0009662, OMIM 253220.

Submissions (3):

MVZ Martinsried, Medicover Genetics
Classification: Pathogenic for Mucopolysaccharidosis type 7. Last evaluated: 2026-01-07. Review status: criteria provided, single submitter. Criteria: ClinGen Variant Curation SOP V3.2 + Classification Guidance July2025. Collection method: clinical testing. Allele origin: inherited. Affected: yes. Observed: 1 homozygote.

Labcorp Genetics (formerly Invitae), Labcorp
Classification: Likely pathogenic for Mucopolysaccharidosis type 7. Last evaluated: 2023-10-27. Review status: criteria provided, single submitter. Criteria: Invitae Variant Classification Sherloc (09022015). Collection method: clinical testing. Allele origin: germline.
Comment: This variant results in the deletion of part of exon 9 (c.1476_176+13del) of the GUSB gene. It is expected to disrupt RNA splicing. Variants that disrupt the donor or acceptor splice site typically lead to a loss of protein function (PMID: 16199547), and loss-of-function variants in GUSB are known to be pathogenic (PMID: 19224584). This variant is present in population databases (no rsID available, gnomAD 0.003%). This variant has not been reported in the literature in individuals affected with GUSB-related conditions. ClinVar contains an entry for this variant (Variation ID: 2440645). In summary, the currently available evidence indicates that the variant is pathogenic, but additional data are needed to prove that conclusively. Therefore, this variant has been classified as Likely Pathogenic.

Revvity Omics, Revvity
Classification: Likely pathogenic for Mucopolysaccharidosis type 7. Last evaluated: 2022-04-27. Review status: criteria provided, single submitter. Criteria: ACMG Guidelines, 2015. Collection method: clinical testing. Allele origin: germline.

Literature cited by the submitters: PubMed 16199547 (cited by Labcorp Genetics (formerly Invitae), Labcorp); PubMed 19224584 (cited by Labcorp Genetics (formerly Invitae), Labcorp).